The following is an entry in ClinVar:

NM_016938.5(EFEMP2):c.1165A>C (p.Ile389Leu)

Gene: EFEMP2 (EGF-like fibulin extracellular matrix protein 2; minus strand). Cytogenetic location: 11q13.1.
Variant type: single nucleotide variant.
Coding change: c.1165A>C on transcript NM_016938.5 (MANE Select); coding-DNA position 1165, A replaced by C.
Protein change: p.Ile389Leu; replaces isoleucine 389 with leucine.
Molecular consequence: missense variant. On other transcripts: non-coding transcript variant (1).
Genome position (GRCh38, 1-based): chr11:65,867,866, T>G on the plus strand (A>C on the coding strand, the complement: EFEMP2 is on the minus strand). VCF-style: chr11-65867866-T-G. GRCh37 (hg19) VCF-style: chr11-65635337-T-G.
Other names: short protein forms I389L.
Identifiers: ClinVar variation 1737959 (VCV001737959.5), dbSNP rs1219659318, ClinGen allele CA381350514.

ClinVar aggregate classification (germline): Uncertain significance. Review status: criteria provided, multiple submitters, no conflicts (2 of 4 stars). 2 submissions from 2 submitters: Uncertain significance (2). Last evaluated 2025-03-23.

Conditions:
Cardiovascular phenotype. Identifiers: MedGen CN230736.
Cutis laxa, autosomal recessive, type 1B (ARCL1B). Also called: CUTIS LAXA, AUTOSOMAL RECESSIVE, TYPE IB; EFEMP2-Related Cutis Laxa. Identifiers: Orphanet 90349, MedGen C3280798, MONDO:0013754, OMIM 614437. Disease mechanism: loss of function.

Allele frequency attached by ClinVar (database versions not stated): TOPMed below 0.00001; gnomAD 0.00001.
gnomAD v4.1: 1 of 1,613,864 alleles (0.000062%); highest among the groups gnomAD compares: African/African-American, 0.0013%; no homozygotes.

Submissions (2):

Labcorp Genetics (formerly Invitae), Labcorp
Classification: Uncertain significance for Cutis laxa, autosomal recessive, type 1B. Last evaluated: 2025-03-23. Review status: criteria provided, single submitter. Criteria: Invitae Variant Classification Sherloc (09022015). Collection method: clinical testing. Allele origin: germline.
Comment: This sequence change replaces isoleucine, which is neutral and non-polar, with leucine, which is neutral and non-polar, at codon 389 of the EFEMP2 protein (p.Ile389Leu). This variant is present in population databases (no rsID available, gnomAD 0.01%). This variant has not been reported in the literature in individuals affected with EFEMP2-related conditions. ClinVar contains an entry for this variant (Variation ID: 1737959). Invitae Evidence Modeling of protein sequence and biophysical properties (such as structural, functional, and spatial information, amino acid conservation, physicochemical variation, residue mobility, and thermodynamic stability) indicates that this missense variant is not expected to disrupt EFEMP2 protein function with a negative predictive value of 95%. In summary, the available evidence is currently insufficient to determine the role of this variant in disease. Therefore, it has been classified as a Variant of Uncertain Significance.

Ambry Genetics
Classification: Uncertain significance for Cardiovascular phenotype. Last evaluated: 2023-10-06. Review status: criteria provided, single submitter. Criteria: Ambry Variant Classification Scheme 2023. Collection method: clinical testing. Allele origin: germline.
Comment: The p.I389L variant (also known as c.1165A>C), located in coding exon 9 of the EFEMP2 gene, results from an A to C substitution at nucleotide position 1165. The isoleucine at codon 389 is replaced by leucine, an amino acid with highly similar properties. This amino acid position is well conserved in available vertebrate species; however, leucine is the reference amino acid in other vertebrate species. In addition, the in silico prediction for this alteration is inconclusive. Since supporting evidence is limited at this time, the clinical significance of this alteration remains unclear.